The following is an entry in ClinVar:

NM_001382430.1(AKT1):c.176-3C>T

Gene: AKT1 (AKT serine/threonine kinase 1; minus strand). Cytogenetic location: 14q32.33.
Variant type: single nucleotide variant.
Coding change: c.176-3C>T on transcript NM_001382430.1 (MANE Select); 3 bases into the intron before coding-DNA position 176, C replaced by T.
Molecular consequence: intron variant.
Genome position (GRCh38, 1-based): chr14:104,776,773, G>A on the plus strand (C>T on the coding strand, the complement: AKT1 is on the minus strand). VCF-style: chr14-104776773-G-A. GRCh37 (hg19) VCF-style: chr14-105243110-G-A.
Other names: c.176-3C>T (NM_001014431.2, NM_001014432.2, NM_001382433.1 and 3 more transcripts).
Identifiers: ClinVar variation 2094919 (VCV002094919.5), dbSNP rs1401652672, ClinGen allele CA616458527.
Genomic context (GRCh38, chr14:104,776,773, plus strand): 5'-AGGCAGCGGATGATGAAGGTGTTGGGCCGGGGCCGCTCCGTCTTCATCAGCTGGCACTCT[G>A]CGGGCAGGCAGAGCCTCTGTCTGCGTGCATCCCCCTGCCCCTCCCAGGGCCCTCACCACA-3'

ClinVar aggregate classification (germline): Uncertain significance. Review status: criteria provided, multiple submitters, no conflicts (2 of 4 stars). 2 submissions from 2 submitters: Uncertain significance (2). Last evaluated 2024-05-23.

Conditions:
Proteus syndrome. Also called: ELATTOPROTEUS SYNDROME; Macrocephaly mesodermal hamartoma spectrum; Hemihypertrophy and macrocephaly; Partial gigantism of hands and feet, nevi, hemihypertrophy, macrocephaly; PROTEUS SYNDROME, SOMATIC; GIGANTISM, PARTIAL, OF HANDS AND FEET, NEVI, HEMIHYPERTROPHY, AND MACROCEPHALY. Identifiers: Orphanet 744, MedGen C0085261, MONDO:0008318, OMIM 176920. Disease mechanism: gain of function, loss of function.
Familial cancer of breast. Also called: hereditary breast carcinoma; Hereditary breast cancer; BREAST CANCER, FAMILIAL. Identifiers: Orphanet 227535, MedGen C0346153, MONDO:0016419, OMIM 114480. Disease mechanism: loss of function.
Cowden syndrome 6 (CWS6). Identifiers: Orphanet 201, MedGen C3554519, MONDO:0014048, OMIM 615109.
Colorectal cancer. Also called: Colorectal cancer, somatic; Malignant Colorectal Neoplasm. Identifiers: MedGen C0346629, MONDO:0005575, OMIM 114500.
Ovarian cancer. Also called: OVARIAN CANCER, SOMATIC. Identifiers: Orphanet 213500, MedGen C1140680, MONDO:0008170, OMIM 167000.

Allele frequency attached by ClinVar (database versions not stated): gnomAD 0.00001; gnomAD exomes 0.00001.

Submissions (2):

Fulgent Genetics
Classification: Uncertain significance for Familial cancer of breast; Colorectal cancer; Ovarian cancer; Proteus syndrome; Cowden syndrome 6. Last evaluated: 2024-05-23. Review status: criteria provided, single submitter. Criteria: ACMG Guidelines, 2015. Collection method: clinical testing. Allele origin: germline.

Labcorp Genetics (formerly Invitae), Labcorp
Classification: Uncertain significance for Cowden syndrome 6. Last evaluated: 2022-03-15. Review status: criteria provided, single submitter. Criteria: Invitae Variant Classification Sherloc (09022015). Collection method: clinical testing. Allele origin: germline.
Comment: This variant has not been reported in the literature in individuals affected with AKT1-related conditions. This variant is present in population databases (no rsID available, gnomAD 0.01%). This sequence change falls in intron 3 of the AKT1 gene. It does not directly change the encoded amino acid sequence of the AKT1 protein. It affects a nucleotide within the consensus splice site. Variants that disrupt the consensus splice site are a relatively common cause of aberrant splicing (PMID: 17576681, 9536098). Algorithms developed to predict the effect of sequence changes on RNA splicing suggest that this variant is not likely to affect RNA splicing. In summary, the available evidence is currently insufficient to determine the role of this variant in disease. Therefore, it has been classified as a Variant of Uncertain Significance.

Literature cited by the submitters: PubMed 17576681 (cited by Labcorp Genetics (formerly Invitae), Labcorp); PubMed 9536098 (cited by Labcorp Genetics (formerly Invitae), Labcorp).